The following is an entry in ClinVar:

ClinVar aggregate classification (germline): Uncertain significance. Review status: criteria provided, multiple submitters, no conflicts (2 of 4 stars). 2 submissions from 2 submitters: Uncertain significance (2). Last evaluated 2022-10-28.

Conditions:
Familial melanoma. Also called: Hereditary melanoma; Hereditary cutaneous melanoma. Identifiers: Orphanet 618, MedGen C1512419, MONDO:0018961.
Hereditary cancer-predisposing syndrome. Also called: Neoplastic Syndromes, Hereditary; Tumor predisposition; Hereditary neoplastic syndrome; Hereditary Cancer Syndrome. Identifiers: Orphanet 140162, MedGen C0027672, MeSH D009386, MONDO:0015356.

Submissions (2):

Labcorp Genetics (formerly Invitae), Labcorp
Classification: Uncertain significance for Familial melanoma. Last evaluated: 2022-10-28. Review status: criteria provided, single submitter. Criteria: Invitae Variant Classification Sherloc (09022015). Collection method: clinical testing. Allele origin: germline.
Comment: This variant is not present in population databases (gnomAD no frequency). In summary, the available evidence is currently insufficient to determine the role of this variant in disease. Therefore, it has been classified as a Variant of Uncertain Significance. Algorithms developed to predict the effect of missense changes on protein structure and function (SIFT, PolyPhen-2, Align-GVGD) all suggest that this variant is likely to be disruptive. This variant is also known as c.233C>G (p.Ala78Gly) in CDKN2A (p14ARF) transcript. This variant has not been reported in the literature in individuals affected with CDKN2A (p16INK4a)-related conditions. This sequence change replaces leucine, which is neutral and non-polar, with valine, which is neutral and non-polar, at codon 64 of the CDKN2A (p16INK4a) protein (p.Leu64Val).

Color Diagnostics, LLC DBA Color Health
Classification: Uncertain significance for Hereditary cancer-predisposing syndrome. Last evaluated: 2021-11-01. Review status: criteria provided, single submitter. Criteria: ACMG Guidelines, 2015. Collection method: clinical testing. Allele origin: germline.
Comment: This missense variant replaces leucine with valine at codon 64 of the CDKN2A (p16INK4A) protein. Computational prediction is inconclusive regarding the impact of this variant on protein structure and function (internally defined REVEL score threshold 0.5 < inconclusive < 0.7, PMID: 27666373). To our knowledge, functional studies have not been reported for this variant. This variant has not been reported in individuals affected with hereditary cancer in the literature. This variant has not been identified in the general population by the Genome Aggregation Database (gnomAD). The available evidence is insufficient to determine the role of this variant in disease conclusively. Therefore, this variant is classified as a Variant of Uncertain Significance.

NM_000077.5(CDKN2A):c.190C>G (p.Leu64Val)

Gene: CDKN2A (cyclin dependent kinase inhibitor 2A; minus strand). Cytogenetic location: 9p21.3.
Variant type: single nucleotide variant.
Coding change: c.190C>G on transcript NM_000077.5; coding-DNA position 190, C replaced by G.
Protein change: p.Leu64Val; replaces leucine 64 with valine.
Molecular consequence: missense variant (on NM_000077.6). On other transcripts: 3 prime UTR variant (1).
Genome position (GRCh38, 1-based): chr9:21,971,169, G>C on the plus strand (C>G on the coding strand, the complement: CDKN2A is on the minus strand). VCF-style: chr9-21971169-G-C. GRCh37 (hg19) VCF-style: chr9-21971168-G-C.
Other names: c.190C>G, p.Leu64Val (NM_000077.6, NM_001195132.2); c.37C>G, p.Leu13Val (NM_001363763.2); c.233C>G, p.Ala78Gly (NM_058195.4); c.*113C>G (NM_058197.5); short protein forms L13V, L64V, A78G.
Identifiers: ClinVar variation 2775055 (VCV002775055.5), dbSNP rs2131096124, ClinGen allele CA373086368.